The following is an entry in ClinVar:

ClinVar aggregate classification (germline): Benign. Review status: criteria provided, multiple submitters, no conflicts (2 of 4 stars). 3 submissions from 3 submitters: Benign (3). Last evaluated 2026-04-09.

Conditions:
SLC25A24-related disorder. Also called: SLC25A24-related condition.

Allele frequency attached by ClinVar (database versions not stated): gnomAD exomes 0.00052 and 0.00167; ExAC 0.00239; gnomAD 0.00653 and 0.00705; 1000 Genomes Project 0.00659; 1000 Genomes Project 30x 0.00687; TOPMed 0.00731; ESP Exome Variant Server 0.00778.
gnomAD v4.1: 1,771 of 1,584,500 alleles (0.11%); highest among the groups gnomAD compares: African/African-American, 2.2%; 14 homozygotes.

Submissions (9):

PreventionGenetics, part of Exact Sciences
Classification: Benign for SLC25A24-related condition. Last evaluated: 2026-04-09. Review status: criteria provided, single submitter. Criteria: ACMG Guidelines, 2015. Collection method: clinical testing. Allele origin: germline.
Comment: This variant is classified as benign based on ACMG/AMP sequence variant interpretation guidelines (Richards et al. 2015 PMID: 25741868, with internal and published modifications).

Labcorp Genetics (formerly Invitae), Labcorp
Classification: Benign. Last evaluated: 2025-12-23. Review status: criteria provided, single submitter. Criteria: Invitae Variant Classification Sherloc (09022015). Collection method: clinical testing. Allele origin: germline.

Breakthrough Genomics
Classification: Benign. Review status: criteria provided, single submitter. Criteria: ACMG Guidelines, 2015. Collection method: not provided. Allele origin: germline. Inheritance: Autosomal dominant inheritance. Affected: yes.

Dr. Peter K. Rogan Lab, Western University
No classification provided (evidence only). Condition: Uterine corpus endometrial carcinoma. Review status: no classification provided. Collection method: in vitro. Allele origin: not applicable. Functional consequence: retained intron. Not counted in ClinVar's aggregate classification.

Dr. Peter K. Rogan Lab, Western University
No classification provided (evidence only). Condition: Cervical cancer. Review status: no classification provided. Collection method: in vitro. Allele origin: not applicable. Functional consequence: retained intron. Not counted in ClinVar's aggregate classification.

Dr. Peter K. Rogan Lab, Western University
No classification provided (evidence only). Condition: Gastric cancer. Review status: no classification provided. Collection method: in vitro. Allele origin: not applicable. Functional consequence: retained intron. Not counted in ClinVar's aggregate classification.

Dr. Peter K. Rogan Lab, Western University
No classification provided (evidence only). Condition: Gastric cancer. Review status: no classification provided. Collection method: in vitro. Allele origin: not applicable. Functional consequence: retained intron. Not counted in ClinVar's aggregate classification.

Dr. Peter K. Rogan Lab, Western University
No classification provided (evidence only). Condition: Malignant tumor of esophagus. Review status: no classification provided. Collection method: in vitro. Allele origin: not applicable. Functional consequence: retained intron. Not counted in ClinVar's aggregate classification.

Dr. Peter K. Rogan Lab, Western University
No classification provided (evidence only). Condition: Uterine corpus endometrial carcinoma. Review status: no classification provided. Collection method: in vitro. Allele origin: not applicable. Functional consequence: retained intron. Not counted in ClinVar's aggregate classification.

NM_013386.5(SLC25A24):c.198T>A (p.Thr66=)

Gene: SLC25A24 (solute carrier family 25 member 24; minus strand). Cytogenetic location: 1p13.3.
Variant type: single nucleotide variant.
Coding change: c.198T>A on transcript NM_013386.5 (MANE Select); coding-DNA position 198, T replaced by A.
Protein change: p.Thr66=; no amino-acid change (threonine 66 retained).
Molecular consequence: synonymous variant.
Genome position (GRCh38, 1-based): chr1:108,185,940, A>T on the plus strand (T>A on the coding strand, the complement: SLC25A24 is on the minus strand). VCF-style: chr1-108185940-A-T. GRCh37 (hg19) VCF-style: chr1-108728562-A-T.
Other names: c.141T>A, p.Thr47= (NM_213651.3).
Identifiers: ClinVar variation 786852 (VCV000786852.13), dbSNP rs114771768, ClinGen allele CA979369.